The following is an entry in ClinVar:

ClinVar aggregate classification (germline): Uncertain significance (1 of 4 stars; one submission).

Conditions:
Symmetrical dyschromatosis of extremities (DSH). Also called: RETICULATE ACROPIGMENTATION OF DOHI; SYMMETRIC DYSCHROMATOSIS OF THE EXTREMITIES; Dyschromatosis symmetrica hereditaria; DYSCHROMATOSIS SYMMETRICA HEREDITARIA 1. Identifiers: Orphanet 41, MedGen C0406775, MONDO:0007483, OMIM 127400.
Aicardi-Goutieres syndrome 6 (AGS6). Identifiers: Orphanet 51, MedGen C3539013, MONDO:0014007, OMIM 615010.

Allele frequency attached by ClinVar (database versions not stated): TOPMed 0.00001.
gnomAD v4.1: 1 of 1,614,056 alleles (0.000062%); no homozygotes.

Submission:

Labcorp Genetics (formerly Invitae), Labcorp
Classification: Uncertain significance for Aicardi-Goutieres syndrome 6; Symmetrical dyschromatosis of extremities. Last evaluated: 2024-10-31. Review status: criteria provided, single submitter. Criteria: Invitae Variant Classification Sherloc (09022015). Collection method: clinical testing. Allele origin: germline.
Comment: This sequence change replaces tyrosine, which is neutral and polar, with serine, which is neutral and polar, at codon 12 of the ADAR protein (p.Tyr12Ser). This variant is not present in population databases (gnomAD no frequency). This variant has not been reported in the literature in individuals affected with ADAR-related conditions. ClinVar contains an entry for this variant (Variation ID: 1380677). An algorithm developed to predict the effect of missense changes on protein structure and function outputs the following: PolyPhen-2: "Benign". The serine amino acid residue is found in multiple mammalian species, which suggests that this missense change does not adversely affect protein function. In summary, the available evidence is currently insufficient to determine the role of this variant in disease. Therefore, it has been classified as a Variant of Uncertain Significance.

NM_001111.5(ADAR):c.35A>C (p.Tyr12Ser)

Gene: ADAR (adenosine deaminase RNA specific; minus strand). Cytogenetic location: 1q21.3.
Variant type: single nucleotide variant.
Coding change: c.35A>C on transcript NM_001111.5 (MANE Select); coding-DNA position 35, A replaced by C.
Protein change: p.Tyr12Ser; replaces tyrosine 12 with serine.
Molecular consequence: missense variant. On other transcripts: 5 prime UTR variant (6).
Genome position (GRCh38, 1-based): chr1:154,602,607, T>G on the plus strand (A>C on the coding strand, the complement: ADAR is on the minus strand). VCF-style: chr1-154602607-T-G. GRCh37 (hg19) VCF-style: chr1-154575083-T-G.
Other names: c.-851A>C (NM_001025107.3, NM_001193495.2, NM_001365048.1); c.62A>C, p.Tyr21Ser (NM_001365045.1); c.-715A>C (NM_001365046.1, NM_001365047.1, NM_001365049.1); c.35A>C, p.Tyr12Ser (NM_015840.4, NM_015841.4); short protein forms Y12S, Y21S.
Identifiers: ClinVar variation 1380677 (VCV001380677.6), dbSNP rs1475258937, ClinGen allele CA342607657.